The following is an entry in ClinVar:

ClinVar aggregate classification (germline): Uncertain significance (1 of 4 stars; one submission).

Submission:

Greenwood Genetic Center Diagnostic Laboratories, Greenwood Genetic Center
Classification: Uncertain significance. Last evaluated: 2025-10-29. Review status: criteria provided, single submitter. Criteria: ACMG Guidelines, 2015. Collection method: clinical testing. Allele origin: germline. Affected: yes.
Comment: PM2, PP2

NM_022893.4(BCL11A):c.1903C>T (p.Arg635Cys)

Gene: BCL11A (BCL11 transcription factor A; minus strand). Cytogenetic location: 2p16.1.
Variant type: single nucleotide variant.
Coding change: c.1903C>T on transcript NM_022893.4 (MANE Select); coding-DNA position 1903, C replaced by T.
Protein change: p.Arg635Cys; replaces arginine 635 with cysteine.
Molecular consequence: missense variant. On other transcripts: intron variant (6).
Genome position (GRCh38, 1-based): chr2:60,461,009, G>A on the plus strand (C>T on the coding strand, the complement: BCL11A is on the minus strand). VCF-style: chr2-60461009-G-A. GRCh37 (hg19) VCF-style: chr2-60688144-G-A.
Other names: c.1903C>T, p.Arg635Cys (NM_018014.4, NM_001405708.1, NM_001405709.1 and 1 more transcripts); c.630+1273C>T (NM_138559.2, NM_001405732.1); c.528+1273C>T (NM_001405733.1); c.474+1273C>T (NM_001405735.1, NM_001405734.1); c.372+1273C>T (NM_001405736.1); c.1801C>T, p.Arg601Cys (NM_001363864.1, NM_001365609.1, NM_001405711.1 and 2 more transcripts); c.1747C>T, p.Arg583Cys (NM_001405713.1, NM_001405714.1, NM_001405715.1 and 3 more transcripts); c.1645C>T, p.Arg549Cys (NM_001405717.1, NM_001405718.1, NM_001405724.1); and 5 more; short protein forms R304C, R404C, R456C, R483C, R524C, R549C, R583C, R601C.
Identifiers: ClinVar variation 4845431 (VCV004845431.1).
Genomic context (GRCh38, chr2:60,461,009, plus strand): 5'-CGTTCTCCGTGTTGGGCATCGCGGCCGGGGGCAGGTCGAACTCCTTCTCGAGCTTGATGC[G>A]CTTAGAGAAGGGGCTCAGCGAGCTGGGGCTGCCCAGCAGCAGCTTTTTGGACAGGCCCCC-3'
Protein context (NP_075044.2, residues 625-645): SPSSLSPFSK[Arg635Cys]IKLEKEFDLP